The following is an entry in ClinVar:

NM_001382273.1(TNK2):c.2140A>G (p.Ser714Gly)

Gene: TNK2 (tyrosine kinase non receptor 2; minus strand). Cytogenetic location: 3q29.
Variant type: single nucleotide variant.
Coding change: c.2140A>G on transcript NM_001382273.1 (MANE Select); coding-DNA position 2140, A replaced by G.
Protein change: p.Ser714Gly; replaces serine 714 with glycine.
Molecular consequence: missense variant. On other transcripts: non-coding transcript variant (15).
Genome position (GRCh38, 1-based): chr3:195,868,158, T>C on the plus strand (A>G on the coding strand, the complement: TNK2 is on the minus strand). VCF-style: chr3-195868158-T-C. GRCh37 (hg19) VCF-style: chr3-195595029-T-C.
Other names: c.2212A>G, p.Ser738Gly (NM_001010938.2, NM_001382272.1); c.2191A>G, p.Ser731Gly (NM_001308046.2, NM_001382271.1); c.2140A>G, p.Ser714Gly (NM_001382274.1, NM_001387716.1, NM_001387717.1 and 1 more transcripts); c.2236A>G, p.Ser746Gly (NM_001382275.1, NM_001387707.1); c.2095A>G, p.Ser699Gly (NM_001386164.1, NM_001387709.1, NM_001387710.1 and 8 more transcripts); c.2167A>G, p.Ser723Gly (NM_001387708.1, NM_001387715.1); c.2329A>G (NM_001010938.1); short protein forms S699G, S738G, S731G, S714G, S723G, S746G.
Identifiers: ClinVar variation 259874 (VCV000259874.7), dbSNP rs139797100, ClinGen allele CA2776054.
Genomic context (GRCh38, chr3:195,868,158, plus strand): 5'-GCAGTTGCCTCATGCACTCCTGCTGTAGCGCCTGGAAGATCTCTGCGGTCTGTGCGGAGC[T>C]GGGCGGCTTGCCCCCACCCTGGGGCGGGAGGAACAGGTTGTCCTCCAGGGGAGGGGGCGG-3'
Protein context (NP_001369202.1, residues 704-724): LPPQGGGKPP[Ser714Gly]SAQTAEIFQA

ClinVar aggregate classification (germline): Conflicting classifications of pathogenicity. Review status: criteria provided, conflicting classifications (1 of 4 stars). 3 submissions from 3 submitters: Uncertain significance (2); Likely benign (1). Last evaluated 2023-10-11.

Allele frequency attached by ClinVar (database versions not stated): gnomAD exomes 0.00003 and 0.00010; ExAC 0.00012; ESP Exome Variant Server 0.00015; 1000 Genomes Project 30x 0.00031; gnomAD 0.00032 and 0.00035; 1000 Genomes Project 0.00040; TOPMed 0.00046.
gnomAD v4.1: 93 of 1,610,782 alleles (0.0058%); highest among the groups gnomAD compares: African/African-American, 0.12%; no homozygotes.

Submissions (3):

Labcorp Genetics (formerly Invitae), Labcorp
Classification: Uncertain significance. Last evaluated: 2023-10-11. Review status: criteria provided, single submitter. Criteria: Invitae Variant Classification Sherloc (09022015). Collection method: clinical testing. Allele origin: germline.
Comment: This sequence change replaces serine, which is neutral and polar, with glycine, which is neutral and non-polar, at codon 777 of the TNK2 protein (p.Ser777Gly). This variant is present in population databases (rs139797100, gnomAD 0.2%), and has an allele count higher than expected for a pathogenic variant. This variant has not been reported in the literature in individuals affected with TNK2-related conditions. ClinVar contains an entry for this variant (Variation ID: 259874). An algorithm developed to predict the effect of missense changes on protein structure and function (PolyPhen-2) suggests that this variant is likely to be tolerated. In summary, the available evidence is currently insufficient to determine the role of this variant in disease. Therefore, it has been classified as a Variant of Uncertain Significance.

Ambry Genetics
Classification: Uncertain significance. Last evaluated: 2021-10-12. Review status: criteria provided, single submitter. Criteria: Ambry Variant Classification Scheme 2023. Collection method: clinical testing. Allele origin: germline.

PreventionGenetics, part of Exact Sciences
Classification: Likely benign. Review status: criteria provided, single submitter. Criteria: ACMG Guidelines, 2015. Collection method: clinical testing. Allele origin: germline.